The following is an entry in ClinVar:

NM_000069.3(CACNA1S):c.2968T>G (p.Trp990Gly)

Gene: CACNA1S (calcium voltage-gated channel subunit alpha1 S; minus strand). Cytogenetic location: 1q32.1.
Variant type: single nucleotide variant.
Coding change: c.2968T>G on transcript NM_000069.3 (MANE Select); coding-DNA position 2968, T replaced by G.
Protein change: p.Trp990Gly; replaces tryptophan 990 with glycine.
Molecular consequence: missense variant.
Genome position (GRCh38, 1-based): chr1:201,062,029, A>C on the plus strand (T>G on the coding strand, the complement: CACNA1S is on the minus strand). VCF-style: chr1-201062029-A-C. GRCh37 (hg19) VCF-style: chr1-201031157-A-C.
Other names: c.2968T>G (NM_000069.2); short protein forms W990G.
Identifiers: ClinVar variation 1020838 (VCV001020838.11), dbSNP rs1661068374, ClinGen allele CA344163462.

ClinVar aggregate classification (germline): Uncertain significance. Review status: criteria provided, multiple submitters, no conflicts (2 of 4 stars). 3 submissions from 3 submitters: Uncertain significance (3). Last evaluated 2025-03-11.

Conditions:
Malignant hyperthermia, susceptibility to, 5 (MHS5). Also called: CACNA1S-Related Malignant Hyperthermia Susceptibility. Identifiers: Orphanet 423, MedGen C1866077, MONDO:0011163, OMIM 601887.
Hypokalemic periodic paralysis, type 1. Also called: Hypokalemic Periodic Paralysis Type 1 (AD); HypoPP. Identifiers: Orphanet 681, MedGen C3714580, MONDO:0042979, OMIM 170400.

Submissions (3):

GeneDx
Classification: Uncertain significance. Last evaluated: 2025-03-11. Review status: criteria provided, single submitter. Criteria: GeneDx Variant Classification Process June 2021. Collection method: clinical testing. Allele origin: germline. Affected: yes.
Comment: Not observed at significant frequency in large population cohorts (gnomAD); In silico analysis supports that this missense variant has a deleterious effect on protein structure/function

Blueprint Genetics
Classification: Uncertain significance. Last evaluated: 2024-04-05. Review status: criteria provided, single submitter. Criteria: ACMG Guidelines, 2015. Collection method: clinical testing. Allele origin: germline.

Labcorp Genetics (formerly Invitae), Labcorp
Classification: Uncertain significance for Hypokalemic periodic paralysis, type 1; Malignant hyperthermia, susceptibility to, 5. Last evaluated: 2023-05-23. Review status: criteria provided, single submitter. Criteria: Invitae Variant Classification Sherloc (09022015). Collection method: clinical testing. Allele origin: germline.
Comment: This sequence change replaces tryptophan, which is neutral and slightly polar, with glycine, which is neutral and non-polar, at codon 990 of the CACNA1S protein (p.Trp990Gly). In summary, the available evidence is currently insufficient to determine the role of this variant in disease. Therefore, it has been classified as a Variant of Uncertain Significance. Advanced modeling of protein sequence and biophysical properties (such as structural, functional, and spatial information, amino acid conservation, physicochemical variation, residue mobility, and thermodynamic stability) performed at Invitae indicates that this missense variant is expected to disrupt CACNA1S protein function. ClinVar contains an entry for this variant (Variation ID: 1020838). This variant has not been reported in the literature in individuals affected with CACNA1S-related conditions. This variant is not present in population databases (gnomAD no frequency).